The following is an entry in ClinVar:

ClinVar aggregate classification (germline): Uncertain significance (1 of 4 stars; one submission).

gnomAD v4.1: 13 of 1,610,288 alleles (0.00081%); highest among the groups gnomAD compares: Non-Finnish European, 0.001%; no homozygotes.

Submission:

Labcorp Genetics (formerly Invitae), Labcorp
Classification: Uncertain significance. Last evaluated: 2025-04-10. Review status: criteria provided, single submitter. Criteria: Invitae Variant Classification Sherloc (09022015). Collection method: clinical testing. Allele origin: germline.
Comment: This sequence change replaces histidine, which is basic and polar, with tyrosine, which is neutral and polar, at codon 324 of the ADAMTSL4 protein (p.His324Tyr). This variant is present in population databases (rs776367276, gnomAD 0.006%). This variant has not been reported in the literature in individuals affected with ADAMTSL4-related conditions. Invitae Evidence Modeling of protein sequence and biophysical properties (such as structural, functional, and spatial information, amino acid conservation, physicochemical variation, residue mobility, and thermodynamic stability) indicates that this missense variant is not expected to disrupt ADAMTSL4 protein function with a negative predictive value of 80%. In summary, the available evidence is currently insufficient to determine the role of this variant in disease. Therefore, it has been classified as a Variant of Uncertain Significance.

NM_019032.6(ADAMTSL4):c.970C>T (p.His324Tyr)

Genes: ADAMTSL4 (ADAMTS like 4; plus strand), ADAMTSL4-AS2 (ADAMTSL4 antisense RNA 2; minus strand). Cytogenetic location: 1q21.2.
Variant type: single nucleotide variant.
Coding change: c.970C>T on transcript NM_019032.6 (MANE Select); coding-DNA position 970, C replaced by T.
Protein change: p.His324Tyr; replaces histidine 324 with tyrosine.
Molecular consequence: missense variant.
Genome position (GRCh38, 1-based): chr1:150,553,961, C>T. VCF-style: chr1-150553961-C-T. GRCh37 (hg19) VCF-style: chr1-150526437-C-T.
Other names: c.970C>T, p.His324Tyr (NM_001288607.2, NM_001288608.2, NM_001378596.1 and 1 more transcripts); short protein forms H324Y.
Identifiers: ClinVar variation 4804511 (VCV004804511.1).